The following is an entry in ClinVar:

NC_000003.11:g.(145804696_145806372)_(145809689_145820541)del

Gene: PLOD2 (procollagen-lysine,2-oxoglutarate 5-dioxygenase 2; minus strand). Cytogenetic location: 3q24.
Variant type: Deletion.
Identifiers: ClinVar variation 3366369 (VCV003366369.1).

ClinVar aggregate classification (germline): Uncertain significance (1 of 4 stars; one submission).

Submission:

Women's Health and Genetics/Laboratory Corporation of America, LabCorp
Classification: Uncertain significance. Last evaluated: 2024-08-09. Review status: criteria provided, single submitter. Criteria: LabCorp Variant Classification Summary - May 2015. Collection method: clinical testing. Allele origin: germline.
Comment: Variant summary: The variant involves the deletion of exons 8-9 in the PLOD2 gene. A presumed nomenclature of c.(777+1_778-1)_(1005+1_1006-1)del has been designated for the purposes of this classification. This Copy Number Variant (CNV) is predicted to result in an in-frame deletion within this gene. The variant was absent in 21092 control chromosomes. To our knowledge, no occurrence of c.(777+1_778-1)_(1005+1_1006-1)del in individuals affected with Osteogenesis Imperfecta and no experimental evidence demonstrating its impact on protein function have been reported. At least 1 missense variant in the overlapping deleted region (c.797G>T, p.Gly266Val) is likely pathogenic (PMID: 31472299, 34853049), suggesting that loss of these exons may be deleterious. However, this evidence is not sufficient to convincingly conclude the impact of this deletion. No submitters have cited clinical-significance assessments for this variant to ClinVar. Based on the evidence outlined above, the variant was classified as uncertain significance.